The following is an entry in ClinVar:

ClinVar aggregate classification (germline): Uncertain significance (1 of 4 stars; one submission).

Allele frequency attached by ClinVar (database versions not stated): TOPMed 0.00056; gnomAD 0.00066; ExAC 0.00067; ESP Exome Variant Server 0.00069; 1000 Genomes Project 0.00100; 1000 Genomes Project 30x 0.00125.
gnomAD v4.1: 1,009 of 1,612,380 alleles (0.063%); highest among the groups gnomAD compares: Middle Eastern, 0.2%; 5 homozygotes.

Submission:

CeGaT Center for Human Genetics Tuebingen
Classification: Uncertain significance. Last evaluated: 2023-08-01. Review status: criteria provided, single submitter. Criteria: CeGaT Center For Human Genetics Tuebingen Variant Classification Criteria Version 2. Collection method: clinical testing. Allele origin: germline. Affected: yes. Observed: 1 variant allele.
Comment: INCENP: PM2, BP4

NM_001040694.2(INCENP):c.754C>T (p.Arg252Trp)

Gene: INCENP (inner centromere protein; plus strand). Cytogenetic location: 11q12.3.
Variant type: single nucleotide variant.
Coding change: c.754C>T on transcript NM_001040694.2 (MANE Select); coding-DNA position 754, C replaced by T.
Protein change: p.Arg252Trp; replaces arginine 252 with tryptophan.
Molecular consequence: missense variant.
Genome position (GRCh38, 1-based): chr11:62,130,281, C>T. VCF-style: chr11-62130281-C-T. GRCh37 (hg19) VCF-style: chr11-61897753-C-T.
Other names: c.754C>T, p.Arg252Trp (NM_020238.3); short protein forms R252W.
Identifiers: ClinVar variation 2641840 (VCV002641840.24), dbSNP rs149820986, ClinGen allele CA6041623.